The following is an entry in ClinVar:

NM_005051.3(QARS1):c.1672C>T (p.Arg558Cys)

Gene: QARS1 (glutaminyl-tRNA synthetase 1; minus strand). Cytogenetic location: 3p21.31.
Variant type: single nucleotide variant.
Coding change: c.1672C>T on transcript NM_005051.3 (MANE Select); coding-DNA position 1672, C replaced by T.
Protein change: p.Arg558Cys; replaces arginine 558 with cysteine.
Molecular consequence: missense variant. On other transcripts: non-coding transcript variant (1).
Genome position (GRCh38, 1-based): chr3:49,099,196, G>A on the plus strand (C>T on the coding strand, the complement: QARS1 is on the minus strand). VCF-style: chr3-49099196-G-A. GRCh37 (hg19) VCF-style: chr3-49136629-G-A.
Other names: c.1639C>T, p.Arg547Cys (NM_001272073.2); c.1672C>T (NM_005051.2, NM_005051.1); short protein forms R547C, R558C.
Identifiers: ClinVar variation 1392018 (VCV001392018.7), dbSNP rs150328993, ClinGen allele CA2391676.

ClinVar aggregate classification (germline): Uncertain significance. Review status: criteria provided, multiple submitters, no conflicts (2 of 4 stars). 3 submissions from 3 submitters: Uncertain significance (3). Last evaluated 2025-03-01.

Conditions:
Inborn genetic diseases. Identifiers: MedGen C0950123, MeSH D030342.
Diffuse cerebral and cerebellar atrophy - intractable seizures - progressive microcephaly syndrome. Also called: Microcephaly, progressive, with seizures and cerebral and cerebellar atrophy. Identifiers: Orphanet 404437, MedGen C4014239, MONDO:0014335, OMIM 615760.

Allele frequency attached by ClinVar (database versions not stated): gnomAD exomes below 0.00001 and 0.00001; gnomAD 0.00001.
gnomAD v4.1: 9 of 1,614,038 alleles (0.00056%); highest among the groups gnomAD compares: Admixed American, 0.0033%; no homozygotes.

Submissions (3):

Ambry Genetics
Classification: Uncertain significance for Inborn genetic diseases. Last evaluated: 2025-03-01. Review status: criteria provided, single submitter. Criteria: Ambry Variant Classification Scheme 2023. Collection method: clinical testing. Allele origin: germline.

GeneDx
Classification: Uncertain significance. Last evaluated: 2023-05-24. Review status: criteria provided, single submitter. Criteria: GeneDx Variant Classification Process June 2021. Collection method: clinical testing. Allele origin: germline. Affected: yes.
Comment: Not observed at significant frequency in large population cohorts (gnomAD); In silico analysis supports that this missense variant has a deleterious effect on protein structure/function; Has not been previously published as pathogenic or benign to our knowledge; This variant is associated with the following publications: (PMID: 25471517)

Labcorp Genetics (formerly Invitae), Labcorp
Classification: Uncertain significance for Diffuse cerebral and cerebellar atrophy - intractable seizures - progressive microcephaly syndrome. Last evaluated: 2021-08-27. Review status: criteria provided, single submitter. Criteria: Invitae Variant Classification Sherloc (09022015). Collection method: clinical testing. Allele origin: germline.
Comment: This sequence change replaces arginine with cysteine at codon 558 of the QARS protein (p.Arg558Cys). The arginine residue is highly conserved and there is a large physicochemical difference between arginine and cysteine. This variant is present in population databases (rs150328993, ExAC 0.009%). This variant has not been reported in the literature in individuals affected with QARS-related conditions. Algorithms developed to predict the effect of missense changes on protein structure and function (SIFT, PolyPhen-2, Align-GVGD) all suggest that this variant is likely to be disruptive. In summary, the available evidence is currently insufficient to determine the role of this variant in disease. Therefore, it has been classified as a Variant of Uncertain Significance.